The following is an entry in ClinVar:

ClinVar aggregate classification (germline): Uncertain significance (1 of 4 stars; one submission).

Conditions:
Atrioventricular septal defect 4 (AVSD4). Identifiers: MedGen C3280781, MONDO:0013747, OMIM 614430.

Allele frequency attached by ClinVar (database versions not stated): ExAC 0.00001; gnomAD 0.00001; gnomAD exomes 0.00001 and 0.00002; TOPMed 0.00002.
gnomAD v4.1: 37 of 1,613,994 alleles (0.0023%); highest among the groups gnomAD compares: Middle Eastern, 0.033%; no homozygotes.

Submission:

Labcorp Genetics (formerly Invitae), Labcorp
Classification: Uncertain significance for Atrioventricular septal defect 4. Last evaluated: 2025-09-23. Review status: criteria provided, single submitter. Criteria: Invitae Variant Classification Sherloc (09022015). Collection method: clinical testing. Allele origin: germline.
Comment: This sequence change falls in intron 3 of the GATA4 gene. It does not directly change the encoded amino acid sequence of the GATA4 protein. It affects a nucleotide within the consensus splice site. This variant is present in population databases (rs758327243, gnomAD 0.003%). This variant has not been reported in the literature in individuals affected with GATA4-related conditions. ClinVar contains an entry for this variant (Variation ID: 575935). Variants that disrupt the consensus splice site are a relatively common cause of aberrant splicing (PMID: 17576681, 9536098). Algorithms developed to predict the effect of sequence changes on RNA splicing suggest that this variant is not likely to affect RNA splicing. In summary, the available evidence is currently insufficient to determine the role of this variant in disease. Therefore, it has been classified as a Variant of Uncertain Significance.

Literature cited by the submitters: PubMed 17576681; PubMed 9536098.

NM_001308093.3(GATA4):c.787-3C>T

Gene: GATA4 (GATA binding protein 4). Cytogenetic location: 8p23.1.
Variant type: single nucleotide variant.
Coding change: c.787-3C>T on transcript NM_001308093.3 (MANE Select); 3 bases into the intron before coding-DNA position 787, C replaced by T.
Molecular consequence: intron variant.
Genome position (GRCh38, 1-based): chr8:11,750,108, C>T. VCF-style: chr8-11750108-C-T. GRCh37 (hg19) VCF-style: chr8-11607617-C-T.
Other names: c.166-3C>T (NM_001308094.2, NM_001374273.1); c.784-3C>T (NM_002052.5); c.165+1023C>T (NM_001374274.1).
Identifiers: ClinVar variation 575935 (VCV000575935.10), dbSNP rs758327243, ClinGen allele CA4630704.